The following is an entry in ClinVar:

ClinVar aggregate classification (germline): Uncertain significance (1 of 4 stars; one submission).

Conditions:
Ullrich congenital muscular dystrophy 2 (UCMD2). Identifiers: Orphanet 75840, MedGen C4225314, MONDO:0014654, OMIM 616470.
Bethlem myopathy 2 (BTHLM2). Identifiers: Orphanet 536516, Orphanet 610, MedGen C4225313, MONDO:0034022, OMIM 616471.

Allele frequency attached by ClinVar (database versions not stated): gnomAD exomes below 0.00001; TOPMed below 0.00001.

Submission:

Labcorp Genetics (formerly Invitae), Labcorp
Classification: Uncertain significance for Bethlem myopathy 2; Ullrich congenital muscular dystrophy 2. Last evaluated: 2025-12-15. Review status: criteria provided, single submitter. Criteria: Invitae Variant Classification Sherloc (09022015). Collection method: clinical testing. Allele origin: germline.
Comment: This sequence change replaces alanine, which is neutral and non-polar, with aspartic acid, which is acidic and polar, at codon 3050 of the COL12A1 protein (p.Ala3050Asp). This variant is present in population databases (no rsID available, gnomAD 0.002%). This variant has not been reported in the literature in individuals affected with COL12A1-related conditions. ClinVar contains an entry for this variant (Variation ID: 1986716). An algorithm developed to predict the effect of missense changes on protein structure and function (PolyPhen-2) suggests that this variant is likely to be tolerated. In summary, the available evidence is currently insufficient to determine the role of this variant in disease. Therefore, it has been classified as a Variant of Uncertain Significance.

NM_004370.6(COL12A1):c.9149C>A (p.Ala3050Asp)

Gene: COL12A1 (collagen type XII alpha 1 chain; minus strand). Cytogenetic location: 6q13.
Variant type: single nucleotide variant.
Coding change: c.9149C>A on transcript NM_004370.6 (MANE Select); coding-DNA position 9149, C replaced by A.
Protein change: p.Ala3050Asp; replaces alanine 3050 with aspartic acid.
Molecular consequence: missense variant.
Genome position (GRCh38, 1-based): chr6:75,087,609, G>T on the plus strand (C>A on the coding strand, the complement: COL12A1 is on the minus strand). VCF-style: chr6-75087609-G-T. GRCh37 (hg19) VCF-style: chr6-75797325-G-T.
Other names: c.5657C>A, p.Ala1886Asp (NM_080645.3); short protein forms A3050D, A1886D.
Identifiers: ClinVar variation 1986716 (VCV001986716.4), dbSNP rs1218320074, ClinGen allele CA364732688.
Genomic context (GRCh38, chr6:75,087,609, plus strand): 5'-TGGGGTTCCTACAATGGCAACAACGTACCTGGATAGCCTTGCCCGTTGTATGGGATGCTG[G>T]CACACTGAGAAGAATCACAGTATCCAGGAGGACCTGGGGGTCCTCGGATACCTGAGTTTC-3'
Protein context (NP_004361.3, residues 3040-3060): PPGYCDSSQC[Ala3050Asp]SIPYNGQGYP